The following is an entry in ClinVar:

NM_002234.4(KCNA5):c.727C>G (p.Pro243Ala)

Gene: KCNA5 (potassium voltage-gated channel subfamily A member 5; plus strand). Cytogenetic location: 12p13.32.
Variant type: single nucleotide variant.
Coding change: c.727C>G on transcript NM_002234.4 (MANE Select); coding-DNA position 727, C replaced by G.
Protein change: p.Pro243Ala; replaces proline 243 with alanine.
Molecular consequence: missense variant.
Genome position (GRCh38, 1-based): chr12:5,044,874, C>G. VCF-style: chr12-5044874-C-G. GRCh37 (hg19) VCF-style: chr12-5154040-C-G.
Other names: c.727C>G (NM_002234.2); short protein forms P243A.
Identifiers: ClinVar variation 1463999 (VCV001463999.8), dbSNP rs895243743, ClinGen allele CA231867718.

ClinVar aggregate classification (germline): Uncertain significance. Review status: criteria provided, multiple submitters, no conflicts (2 of 4 stars). 2 submissions from 2 submitters: Uncertain significance (2). Last evaluated 2025-12-31.

Conditions:
Inborn genetic diseases. Identifiers: MedGen C0950123, MeSH D030342.
Atrial fibrillation, familial, 7 (ATFB7). Identifiers: MedGen C2677106, MONDO:0012828, OMIM 612240.

Allele frequency attached by ClinVar (database versions not stated): gnomAD exomes below 0.00001; gnomAD 0.00008; TOPMed 0.00016.
gnomAD v4.1: 19 of 1,613,892 alleles (0.0012%); highest among the groups gnomAD compares: Admixed American, 0.03%; no homozygotes.

Submissions (2):

Ambry Genetics
Classification: Uncertain significance for Inborn genetic diseases. Last evaluated: 2025-12-31. Review status: criteria provided, single submitter. Criteria: Ambry Variant Classification Scheme 2023. Collection method: clinical testing. Allele origin: germline.

Labcorp Genetics (formerly Invitae), Labcorp
Classification: Uncertain significance for Atrial fibrillation, familial, 7. Last evaluated: 2025-04-02. Review status: criteria provided, single submitter. Criteria: Invitae Variant Classification Sherloc (09022015). Collection method: clinical testing. Allele origin: germline.
Comment: This sequence change replaces proline, which is neutral and non-polar, with alanine, which is neutral and non-polar, at codon 243 of the KCNA5 protein (p.Pro243Ala). This variant is present in population databases (no rsID available, gnomAD 0.003%). This variant has not been reported in the literature in individuals affected with KCNA5-related conditions. ClinVar contains an entry for this variant (Variation ID: 1463999). Invitae Evidence Modeling of protein sequence and biophysical properties (such as structural, functional, and spatial information, amino acid conservation, physicochemical variation, residue mobility, and thermodynamic stability) indicates that this missense variant is expected to disrupt KCNA5 protein function with a positive predictive value of 80%. In summary, the available evidence is currently insufficient to determine the role of this variant in disease. Therefore, it has been classified as a Variant of Uncertain Significance.